The following is an entry in ClinVar:

ClinVar aggregate classification (germline): Conflicting classifications of pathogenicity. Review status: criteria provided, conflicting classifications (1 of 4 stars). 6 submissions from 5 submitters: Uncertain significance (2); Likely benign (2). 2 of the submissions do not count toward it. Last evaluated 2026-09-08.

Conditions:
Cardiovascular phenotype. Identifiers: MedGen CN230736.
Fabry disease. Also called: ALPHA-GALACTOSIDASE A DEFICIENCY; ANDERSON-FABRY DISEASE; CERAMIDE TRIHEXOSIDASE DEFICIENCY; Fabry's disease; Angiokeratoma corporis diffusum; Ceramide trihexosidosis. Identifiers: Orphanet 324, MedGen C0002986, MONDO:0010526, OMIM 301500, HP:0001071. Disease mechanism: loss of function, Fabry disease is due to inactivating mutations in the X-linked GLA gene resulting in deficiency of the enzyme Alpha Galactosidase-A..
Migalastat response. Also called: 1-Deoxygalactonojirimycin response; Galafold response. Identifiers: MedGen CN233149.

Submissions (6):

Genomenon, Inc
Classification: Uncertain significance for Fabry disease. Last evaluated: 2026-09-08. Review status: criteria provided, single submitter. Criteria: Genomenon Sequence Variant Interpretation Standards - Updated. Collection method: curation. Allele origin: germline. Affected: yes.
Comment: GLA p.Asp313Asn (c.937G>A) is a missense variant that changes the amino acid at codon 313 from Aspartic acid to Asparagine. This variant has been observed in at least one proband with clinical features consistent with Fabry disease (PMID:30594474). Functional or patient cell studies have been reported (PMID:30594474;26415523;39468034). It is absent or not present at a significant frequency in gnomAD. In conclusion, we classify GLA p.Asp313Asn (c.937G>A) as a variant of uncertain significance.

Ambry Genetics
Classification: Likely benign for Cardiovascular phenotype. Last evaluated: 2021-06-28. Review status: criteria provided, single submitter. Criteria: Ambry Variant Classification Scheme 2023. Collection method: clinical testing. Allele origin: germline.

Broad Center for Mendelian Genomics, Broad Institute of MIT and Harvard
Classification: Uncertain significance for Fabry disease. Last evaluated: 2020-01-22. Review status: criteria provided, single submitter. Criteria: ACMG Guidelines, 2015. Collection method: curation. Allele origin: germline. Inheritance: X-linked inheritance.
Comment: Although this variant has been seen in the general population, its frequency is low enough to be consistent with Fabry disease. Please note that for diseases with clinical variability, or reduced penetrance, pathogenic variants may be present at a low frequency in the general population. This variant has also been reported in ClinVar as a VUS by Albrecht-Kossel-Institute (Variation ID:217402). In vitro functional studies provide some evidence that the p.Asp313Asn variant may not impact protein function (PMID: 26415523). However, these types of assays may not accurately represent biological function. Computational prediction tools and conservation analyses do not provide strong support for or against an impact to the protein. Of note, there is another amino acid change at this same position (p.Asp313Tyr; ID:10738), which is widely reported to be likely benign. In summary, while the clinical significance of the p.Asp313Asn variant is uncertain, these data suggest that it is more likely to be benign. ACMG/AMP Criteria applied: BS3_supporting, PM2_supporting (Richards 2015).

X-linked inheritance (primarily recessive with milder female expression)

GeneDx
Classification: Likely benign. Last evaluated: 2015-03-03. Review status: criteria provided, single submitter. Criteria: GeneDx Variant Classification Process June 2021. Collection method: clinical testing. Allele origin: germline. Affected: yes.
Comment: See Variant Classification Assertion Criteria.

Albrecht-Kossel-Institute, Medical University Rostock
Classification: Uncertain significance for Fabry's disease. Last evaluated: 2014-01-01. Review status: no assertion criteria provided. Collection method: research. Allele origin: inherited. Not counted in ClinVar's aggregate classification.

Albrecht-Kossel-Institute, Medical University Rostock
Classification: drug response for deoxygalactonojirimycin response. Last evaluated: 2014-01-01. Review status: no assertion criteria provided. Collection method: research. Allele origin: inherited. Not counted in ClinVar's aggregate classification.

Literature cited by the submitters: PubMed 30594474 (cited by Genomenon, Inc and Ambry Genetics); PubMed 26415523 (cited by 3 submitters); PubMed 39468034 (cited by Genomenon, Inc).

NM_000169.3(GLA):c.937G>A (p.Asp313Asn)

Genes: GLA (galactosidase alpha; minus strand), RPL36A-HNRNPH2 (RPL36A-HNRNPH2 readthrough; plus strand). Cytogenetic location: Xq22.1.
Variant type: single nucleotide variant.
Coding change: c.937G>A on transcript NM_000169.3 (MANE Select); coding-DNA position 937, G replaced by A.
Protein change: p.Asp313Asn; replaces aspartic acid 313 with asparagine.
Molecular consequence: missense variant. On other transcripts: non-coding transcript variant (3), intron variant (2).
Genome position (GRCh38, 1-based): chrX:101,398,432, C>T on the plus strand (G>A on the coding strand, the complement: GLA is on the minus strand). VCF-style: chrX-101398432-C-T. GRCh37 (hg19) VCF-style: chrX-100653420-C-T.
Other names: c.937G>A (NM_000169.2); c.1060G>A, p.Asp354Asn (NM_001406747.1); c.937G>A, p.Asp313Asn (NM_001406748.1); c.300+2975C>T (NM_001199973.2); c.177+6610C>T (NM_001199974.2); short protein forms D313N, D354N.
Identifiers: ClinVar variation 217402 (VCV000217402.9), dbSNP rs28935490, ClinGen allele CA089142.